The following is an entry in ClinVar:

NM_019098.5(CNGB3):c.1516del (p.Val506fs)

Gene: CNGB3 (cyclic nucleotide gated channel subunit beta 3; minus strand). Cytogenetic location: 8q21.3.
Variant type: Deletion.
Coding change: c.1516del on transcript NM_019098.5 (MANE Select); coding-DNA position 1516, one base deleted (G; older notation c.1516delG).
Protein change: p.Val506fs; shifts the reading frame from valine 506.
Molecular consequence: frameshift variant.
Genome position (GRCh38, 1-based): chr8:86,626,045, C deleted on the plus strand (G on the coding strand, the reverse complement: CNGB3 is on the minus strand); the first of 2 consecutive C bases (chr8:86,626,045-86,626,046); deleting either gives the same sequence. VCF-style (leftmost placement, unchanged base first): chr8-86626044-AC-A. GRCh37 (hg19) VCF-style: chr8-87638272-AC-A.
Other names: c.1516delG (NM_019098.4); short protein forms V506fs.
Identifiers: ClinVar variation 427663 (VCV000427663.7), dbSNP rs768735888, ClinGen allele CA4799989.
Genomic context (GRCh38, chr8:86,626,044, plus strand): 5'-TTGAACAAGTCGACTTTGCTGATGATGCTGAAGTTCACATCAATGGCGAGGGCTAACTGG[AC>A]CGTAGTTGGTAGGGTCTTAAGCAAATCAGACTCATCTTTATAAAGATAAACACATCAAAC-3'

ClinVar aggregate classification (germline): Pathogenic/Likely pathogenic. Review status: criteria provided, multiple submitters, no conflicts (2 of 4 stars). 5 submissions from 5 submitters: Pathogenic (2); Likely pathogenic (2). 1 of the submissions does not count toward it. Last evaluated 2025-05-12.

Conditions:
CNGB3-related disorder. Also called: CNGB3-related disorders; CNGB3-related condition. Identifiers: MedGen CN239340.
Achromatopsia 3 (ACHM3). Also called: PINGELAPESE BLINDNESS; ACHROMATOPSIA WITH MYOPIA; TOTAL COLORBLINDNESS WITH MYOPIA; ROD MONOCHROMACY 1; ROD MONOCHROMATISM 1. Identifiers: Orphanet 49382, MedGen C1849792, MONDO:0009875, OMIM 262300.
Achromatopsia. Also called: Rod monochromatism. Identifiers: Orphanet 49382, MedGen C0152200, MONDO:0018852, HP:0011516.

Submissions (5):

Natera, Inc.
Classification: Pathogenic for Achromatopsia. Last evaluated: 2025-05-12. Review status: criteria provided, single submitter. Criteria: Natera Variant Classification Schema (03/2026). Collection method: clinical testing. Allele origin: germline.
Comment: The c.1516delG variant in CNGB3 is a frameshift variant predicted to shift the reading frame beginning at codon 506 and leads to a stop codon 3 codons downstream. This variant is expected to result in nonsense mediated decay, truncation, or a dysfunctional protein product. This variant is rare in the general population with a frequency below the threshold expected for the associated phenotype(s). This variant has been observed in one or more individuals affected with the associated recessive disease, as either homozygous or compound heterozygous with a second variant (PMID: 28795510). Given the available evidence, this variant is classified as Pathogenic.

Fulgent Genetics
Classification: Likely pathogenic for Achromatopsia 3. Last evaluated: 2024-01-31. Review status: criteria provided, single submitter. Criteria: ACMG Guidelines, 2015. Collection method: clinical testing. Allele origin: germline.

Labcorp Genetics (formerly Invitae), Labcorp
Classification: Pathogenic. Last evaluated: 2023-10-30. Review status: criteria provided, single submitter. Criteria: Invitae Variant Classification Sherloc (09022015). Collection method: clinical testing. Allele origin: germline.
Comment: This sequence change creates a premature translational stop signal (p.Val506Serfs*3) in the CNGB3 gene. It is expected to result in an absent or disrupted protein product. Loss-of-function variants in CNGB3 are known to be pathogenic (PMID: 28795510). This variant is present in population databases (rs768735888, gnomAD 0.01%). This premature translational stop signal has been observed in individual(s) with achromatopsia (PMID: 28795510). ClinVar contains an entry for this variant (Variation ID: 427663). Algorithms developed to predict the effect of sequence changes on RNA splicing suggest that this variant may disrupt the consensus splice site. For these reasons, this variant has been classified as Pathogenic.

Blueprint Genetics
Classification: Likely pathogenic for CNGB3-related disorders. Last evaluated: 2021-05-06. Review status: criteria provided, single submitter. Criteria: ACMG Guidelines, 2015. Collection method: clinical testing. Allele origin: germline. Affected: yes. Observed: 2 variant alleles.

Molecular Genetics Laboratory, Institute for Ophthalmic Research
Classification: Pathogenic for ACHM3. Last evaluated: 2017-03-27. Review status: no assertion criteria provided. Collection method: research. Allele origin: germline. Affected: yes. Not counted in ClinVar's aggregate classification.

Literature cited by the submitters: PubMed 28795510 (cited by 3 submitters).